The following is an entry in ClinVar:

NM_014284.3(NCDN):c.2140G>A (p.Ala714Thr)

Gene: NCDN (neurochondrin; plus strand). Cytogenetic location: 1p34.3.
Variant type: single nucleotide variant.
Coding change: c.2140G>A on transcript NM_014284.3 (MANE Select); coding-DNA position 2140, G replaced by A.
Protein change: p.Ala714Thr; replaces alanine 714 with threonine.
Molecular consequence: missense variant.
Genome position (GRCh38, 1-based): chr1:35,565,613, G>A. VCF-style: chr1-35565613-G-A. GRCh37 (hg19) VCF-style: chr1-36031214-G-A.
Other names: c.2140G>A, p.Ala714Thr (NM_001014839.2); c.2089G>A, p.Ala697Thr (NM_001014841.2); short protein forms A697T, A714T.
Identifiers: ClinVar variation 4056641 (VCV004056641.1).

ClinVar aggregate classification (germline): Uncertain significance (1 of 4 stars; one submission).

Conditions:
Neurodevelopmental disorder with infantile epileptic spasms. Identifiers: MedGen C5543538, MONDO:0859162, OMIM 619373.

Submission:

Laboratorio de Genetica e Diagnostico Molecular, Hospital Israelita Albert Einstein
Classification: Uncertain significance for Neurodevelopmental disorder with infantile epileptic spasms. Last evaluated: 2023-06-15. Review status: criteria provided, single submitter. Criteria: ACMG Guidelines, 2015. Collection method: clinical testing. Allele origin: germline. Affected: yes.
Comment: ACMG classification criteria: PM2 moderate, PP2 supporting, BP4 supporting